The following is an entry in ClinVar:

NM_021815.5(SLC5A7):c.383G>A (p.Gly128Glu)

Gene: SLC5A7 (solute carrier family 5 member 7; plus strand). Cytogenetic location: 2q12.3.
Variant type: single nucleotide variant.
Coding change: c.383G>A on transcript NM_021815.5 (MANE Select); coding-DNA position 383, G replaced by A.
Protein change: p.Gly128Glu; replaces glycine 128 with glutamic acid.
Molecular consequence: missense variant. On other transcripts: 5 prime UTR variant (1).
Genome position (GRCh38, 1-based): chr2:107,993,062, G>A. VCF-style: chr2-107993062-G-A. GRCh37 (hg19) VCF-style: chr2-108609518-G-A.
Other names: c.383G>A, p.Gly128Glu (NM_001305005.3); c.68G>A, p.Gly23Glu (NM_001305006.3); c.-322G>A (NM_001305007.3); short protein forms G128E, G23E.
Identifiers: ClinVar variation 3754489 (VCV003754489.2).
Genomic context (GRCh38, chr2:107,993,062, plus strand): 5'-CAAAGGGGTATGTGACCATGTTAGACCCGTTTCAGCAAATCTATGGAAAACGCATGGGCG[G>A]ACTCCTGTTTATTCCTGCACTGATGGGAGAAATGTTCTGGGCTGCAGCAATTTTCTCTGC-3'
Protein context (NP_068587.1, residues 118-138): FQQIYGKRMG[Gly128Glu]LLFIPALMGE

ClinVar aggregate classification (germline): Uncertain significance (1 of 4 stars; one submission).

Conditions:
Congenital myasthenic syndrome 20. Also called: Myasthenic syndrome, congenital, 20, presynaptic. Identifiers: MedGen C4310694, MONDO:0014939, OMIM 617143.
Neuronopathy, distal hereditary motor, type 7A. Also called: HARPER-YOUNG MYOPATHY; HMN VIIA; SPINAL MUSCULAR ATROPHY, DISTAL, WITH VOCAL CORD PARALYSIS; Neuronopathy, distal hereditary motor, type viia; NEURONOPATHY, DISTAL HEREDITARY MOTOR, HARDING TYPE VIIA; NEUROPATHY, DISTAL HEREDITARY MOTOR, HARDING TYPE VIIA. Identifiers: Orphanet 139589, MedGen C1834703, MONDO:0008024, OMIM 158580.

Submission:

Labcorp Genetics (formerly Invitae), Labcorp
Classification: Uncertain significance for Neuronopathy, distal hereditary motor, type 7A; Congenital myasthenic syndrome 20. Last evaluated: 2024-02-07. Review status: criteria provided, single submitter. Criteria: Invitae Variant Classification Sherloc (09022015). Collection method: clinical testing. Allele origin: germline.
Comment: This sequence change replaces glycine, which is neutral and non-polar, with glutamic acid, which is acidic and polar, at codon 128 of the SLC5A7 protein (p.Gly128Glu). This variant is not present in population databases (gnomAD no frequency). This variant has not been reported in the literature in individuals affected with SLC5A7-related conditions. Advanced modeling of protein sequence and biophysical properties (such as structural, functional, and spatial information, amino acid conservation, physicochemical variation, residue mobility, and thermodynamic stability) performed at Invitae indicates that this missense variant is expected to disrupt SLC5A7 protein function with a positive predictive value of 80%. In summary, the available evidence is currently insufficient to determine the role of this variant in disease. Therefore, it has been classified as a Variant of Uncertain Significance.